The following is an entry in ClinVar:

ClinVar aggregate classification (germline): Benign (1 of 4 stars; one submission).

Allele frequency attached by ClinVar (database versions not stated): 1000 Genomes Project 0.01857; 1000 Genomes Project 30x 0.01889; TOPMed 0.04040; gnomAD 0.04639 and 0.04770.
gnomAD v4.1: 6,958 of 151,210 alleles (4.6%); highest among the groups gnomAD compares: Non-Finnish European, 7%; 258 homozygotes.

Submission:

GeneDx
Classification: Benign. Last evaluated: 2018-06-17. Review status: criteria provided, single submitter. Criteria: GeneDx Variant Classification (06012015). Collection method: clinical testing. Allele origin: germline. Affected: yes.
Comment: This variant is considered likely benign or benign based on one or more of the following criteria: it is a conservative change, it occurs at a poorly conserved position in the protein, it is predicted to be benign by multiple in silico algorithms, and/or has population frequency not consistent with disease.

NM_015450.3(POT1):c.-40+162G>T

Gene: POT1 (protection of telomeres 1; minus strand). Cytogenetic location: 7q31.33.
Variant type: single nucleotide variant.
Coding change: c.-40+162G>T on transcript NM_015450.3 (MANE Select); 162 bases into the intron after 40 bases upstream of the start codon, G replaced by T.
Molecular consequence: intron variant.
Genome position (GRCh38, 1-based): chr7:124,898,099, C>A on the plus strand (G>T on the coding strand, the complement: POT1 is on the minus strand). VCF-style: chr7-124898099-C-A. GRCh37 (hg19) VCF-style: chr7-124538153-C-A.
Other names: c.-302+162G>T (NM_001042594.2).
Identifiers: ClinVar variation 678870 (VCV000678870.1), dbSNP rs74429678, ClinGen allele CA166099208.